The following is an entry in ClinVar:

NC_000023.11:g.32823388del

Gene: DMD (dystrophin; minus strand). Cytogenetic location: Xp21.1.
Variant type: Deletion.
Genome position: GRCh38 VCF-style: chrX-32823386-AC-A. GRCh37 (hg19) VCF-style: chrX-32841503-AC-A.
Identifiers: ClinVar variation 953200 (VCV000953200.9), dbSNP rs2078438031, ClinGen allele CA1139667396.

ClinVar aggregate classification (germline): Pathogenic (1 of 4 stars; one submission).

Conditions:
Duchenne muscular dystrophy (DMD). Also called: Duchenne Muscular Dystrophy (DMD); MUSCULAR DYSTROPHY, PSEUDOHYPERTROPHIC PROGRESSIVE, DUCHENNE TYPE. Identifiers: Orphanet 98896, MedGen C0013264, MONDO:0010679, OMIM 310200.

Submission:

Labcorp Genetics (formerly Invitae), Labcorp
Classification: Pathogenic for Duchenne muscular dystrophy. Last evaluated: 2019-10-26. Review status: criteria provided, single submitter. Criteria: Invitae Variant Classification Sherloc (09022015). Collection method: clinical testing. Allele origin: germline.
Comment: For these reasons, this variant has been classified as Pathogenic. This sequence change creates a premature translational stop signal (p.Val89Leufs*3) in the DMD gene. It is expected to result in an absent or disrupted protein product. This variant is not present in population databases (ExAC no frequency). This variant has not been reported in the literature in individuals with DMD-related conditions. Algorithms developed to predict the effect of sequence changes on RNA splicing suggest that this variant may create or strengthen a splice site, but this prediction has not been confirmed by published transcriptional studies. Loss-of-function variants in DMD are known to be pathogenic (PMID: 16770791, 25007885).

Literature cited by the submitters: PubMed 16770791; PubMed 25007885.